The following is an entry in ClinVar:

ClinVar aggregate classification (germline): Uncertain significance (1 of 4 stars; one submission).

Conditions:
Developmental and epileptic encephalopathy, 23 (DEE23). Also called: Epileptic encephalopathy, early infantile, 23. Identifiers: Orphanet 411986, MedGen C4014492, MONDO:0014371, OMIM 615859.

Submission:

Labcorp Genetics (formerly Invitae), Labcorp
Classification: Uncertain significance for Developmental and epileptic encephalopathy, 23. Last evaluated: 2022-08-10. Review status: criteria provided, single submitter. Criteria: Invitae Variant Classification Sherloc (09022015). Collection method: clinical testing. Allele origin: germline.
Comment: In summary, the available evidence is currently insufficient to determine the role of this variant in disease. Therefore, it has been classified as a Variant of Uncertain Significance. Algorithms developed to predict the effect of missense changes on protein structure and function (SIFT, PolyPhen-2, Align-GVGD) all suggest that this variant is likely to be tolerated. ClinVar contains an entry for this variant (Variation ID: 1348514). This variant has not been reported in the literature in individuals affected with DOCK7-related conditions. This variant is not present in population databases (gnomAD no frequency). This sequence change replaces glycine, which is neutral and non-polar, with serine, which is neutral and polar, at codon 152 of the DOCK7 protein (p.Gly152Ser).

NM_001367561.1(DOCK7):c.454G>A (p.Gly152Ser)

Gene: DOCK7 (dedicator of cytokinesis 7; minus strand). Cytogenetic location: 1p31.3.
Variant type: single nucleotide variant.
Coding change: c.454G>A on transcript NM_001367561.1 (MANE Select); coding-DNA position 454, G replaced by A.
Protein change: p.Gly152Ser; replaces glycine 152 with serine.
Molecular consequence: missense variant.
Genome position (GRCh38, 1-based): chr1:62,648,480, C>T on the plus strand (G>A on the coding strand, the complement: DOCK7 is on the minus strand). VCF-style: chr1-62648480-C-T. GRCh37 (hg19) VCF-style: chr1-63114151-C-T.
Other names: c.454G>A, p.Gly152Ser (NM_001271999.2, NM_001272000.2, NM_001272001.2 and 3 more transcripts); short protein forms G152S.
Identifiers: ClinVar variation 1348514 (VCV001348514.6), dbSNP rs2149679863, ClinGen allele CA340628550.
Genomic context (GRCh38, chr1:62,648,480, plus strand): 5'-CATCCTGGTAGCTGTTGCCATCTGGAGCTTCATCAGATTCAAAAACTTGTTTTGGCAAAC[C>T]TTTTTGCCTTTCTTTCTGTTTATCTAATGTATTGGGATTAAATCCTGTTCCCAATTTATG-3'
Protein context (NP_001354490.1, residues 142-162): TLDKQKERQK[Gly152Ser]LPKQVFESDE